The following is an entry in ClinVar:

ClinVar aggregate classification (germline): Benign/Likely benign. Review status: criteria provided, multiple submitters, no conflicts (2 of 4 stars). 5 submissions from 5 submitters: Benign (1); Likely benign (4). Last evaluated 2025-09-24.

Conditions:
Hereditary cancer-predisposing syndrome. Also called: Tumor predisposition; Hereditary neoplastic syndrome; Neoplastic Syndromes, Hereditary; Hereditary Cancer Syndrome. Identifiers: Orphanet 140162, MedGen C0027672, MeSH D009386, MONDO:0015356.
Familial cancer of breast. Also called: hereditary breast carcinoma; Hereditary breast cancer; BREAST CANCER, FAMILIAL. Identifiers: Orphanet 227535, MedGen C0346153, MONDO:0016419, OMIM 114480. Disease mechanism: loss of function.

Allele frequency attached by ClinVar (database versions not stated): gnomAD exomes below 0.00001; TOPMed below 0.00001; gnomAD 0.00001.
gnomAD v4.1: 5 of 1,613,848 alleles (0.00031%); highest among the groups gnomAD compares: Non-Finnish European, 0.00042%; no homozygotes.

Submissions (5):

Labcorp Genetics (formerly Invitae), Labcorp
Classification: Likely benign for Familial cancer of breast. Last evaluated: 2025-09-24. Review status: criteria provided, single submitter. Criteria: Invitae Variant Classification Sherloc (09022015). Collection method: clinical testing. Allele origin: germline.

Center for Genomic Medicine, Rigshospitalet, Copenhagen University Hospital
Classification: Likely benign. Last evaluated: 2025-03-04. Review status: criteria provided, single submitter. Criteria: ACMG Guidelines, 2015. Collection method: clinical testing. Allele origin: germline.

Myriad Genetics, Inc.
Classification: Benign for Familial cancer of breast. Last evaluated: 2025-01-09. Review status: criteria provided, single submitter. Criteria: Myriad Autosomal Dominant, Autosomal Recessive and X-Linked Classification Criteria (2023). Collection method: clinical testing. Allele origin: unknown.
Comment: This variant is considered benign. This variant is a silent/synonymous amino acid change and it is not expected to impact splicing.

GeneDx
Classification: Likely benign. Last evaluated: 2019-03-20. Review status: criteria provided, single submitter. Criteria: GeneDx Variant Classification Process June 2021. Collection method: clinical testing. Allele origin: germline. Affected: yes.

Ambry Genetics
Classification: Likely benign for Hereditary cancer-predisposing syndrome. Last evaluated: 2016-11-08. Review status: criteria provided, single submitter. Criteria: Ambry Variant Classification Scheme 2023. Collection method: clinical testing. Allele origin: germline.

NM_024675.4(PALB2):c.78G>A (p.Arg26=)

Gene: PALB2 (partner and localizer of BRCA2; minus strand). Cytogenetic location: 16p12.2.
Variant type: single nucleotide variant.
Coding change: c.78G>A on transcript NM_024675.4 (MANE Select); coding-DNA position 78, G replaced by A.
Protein change: p.Arg26=; no amino-acid change (arginine 26 retained).
Molecular consequence: synonymous variant.
Genome position (GRCh38, 1-based): chr16:23,638,100, C>T on the plus strand (G>A on the coding strand, the complement: PALB2 is on the minus strand). VCF-style: chr16-23638100-C-T. GRCh37 (hg19) VCF-style: chr16-23649421-C-T.
Identifiers: ClinVar variation 379621 (VCV000379621.22), dbSNP rs45572434, ClinGen allele CA16607351.